The following is an entry in ClinVar:

NC_000003.11:g.(12458654_12475396)_(12475844_?)del

Gene: PPARG (peroxisome proliferator activated receptor gamma; plus strand). Cytogenetic location: 3p25.2.
Variant type: Deletion.
Identifiers: ClinVar variation 4536742 (VCV004536742.1).

ClinVar aggregate classification (germline): Pathogenic (1 of 4 stars; one submission).

Conditions:
PPARG-related disorder. Also called: PPARG-related condition; PPARG-related disorders.

Submission:

Women's Health and Genetics/Laboratory Corporation of America, LabCorp
Classification: Pathogenic for PPARG-Related Disorders. Last evaluated: 2025-11-13. Review status: criteria provided, single submitter. Criteria: LabCorp Variant Classification Summary - May 2015. Collection method: clinical testing. Allele origin: germline.
Comment: Variant summary: The variant involves the deletion of exon 7 in the PPARG gene. A presumed nomenclature of c.(1180+1_1181-1)_(*200_?)del has been designated for the purposes of this classification. The exact breakpoint at the distal 3' end of this variant is unknown, therefore this deletion may extend downstream of the annotated region of the gene. As it encompasses the termination codon, it is predicted to escape nonsense mediated decay (NMD). Loss-of-function variants in this gene are known to be pathogenic. The variant allele was found at a frequency of 4.6e-05 in 21694 control chromosomes. To our knowledge, no occurrence of c.(1180+1_1181-1)_(*200_?)del in individuals affected with PPARG-related conditions and no experimental evidence demonstrating its impact on protein function have been reported. However variants contained within the deleted region have been classified as pathogenic/likely pathogenic, indicating the critical relevance of exon 7 to PPARG function. No submitters have cited clinical-significance assessments for this variant to ClinVar. Based on the evidence outlined above, the variant was classified as pathogenic.